The following is an entry in ClinVar:

ClinVar aggregate classification (germline): Likely benign. Review status: criteria provided, multiple submitters, no conflicts (2 of 4 stars). 2 submissions from 2 submitters: Likely benign (2). Last evaluated 2025-04-13.

Allele frequency attached by ClinVar (database versions not stated): gnomAD exomes below 0.00001 and 0.00001; TOPMed below 0.00001; gnomAD 0.00001.
gnomAD v4.1: 4 of 1,612,678 alleles (0.00025%); highest among the groups gnomAD compares: Non-Finnish European, 0.00034%; no homozygotes.

Submissions (2):

Labcorp Genetics (formerly Invitae), Labcorp
Classification: Likely benign. Last evaluated: 2025-04-13. Review status: criteria provided, single submitter. Criteria: Invitae Variant Classification Sherloc (09022015). Collection method: clinical testing. Allele origin: germline.

CeGaT Center for Human Genetics Tuebingen
Classification: Likely benign. Last evaluated: 2022-06-01. Review status: criteria provided, single submitter. Criteria: CeGaT Center For Human Genetics Tuebingen Variant Classification Criteria Version 2. Collection method: clinical testing. Allele origin: germline. Affected: yes. Observed: 1 variant allele.
Comment: PNPT1: BP4, BP7

NM_033109.5(PNPT1):c.1869T>G (p.Pro623=)

Gene: PNPT1 (polyribonucleotide nucleotidyltransferase 1; minus strand). Cytogenetic location: 2p16.1.
Variant type: single nucleotide variant.
Coding change: c.1869T>G on transcript NM_033109.5 (MANE Select); coding-DNA position 1869, T replaced by G.
Protein change: p.Pro623=; no amino-acid change (proline 623 retained).
Molecular consequence: synonymous variant.
Genome position (GRCh38, 1-based): chr2:55,644,674, A>C on the plus strand (T>G on the coding strand, the complement: PNPT1 is on the minus strand). VCF-style: chr2-55644674-A-C. GRCh37 (hg19) VCF-style: chr2-55871809-A-C.
Identifiers: ClinVar variation 1623518 (VCV001623518.31), dbSNP rs1367197547, ClinGen allele CA426171518.